The following is an entry in ClinVar:

ClinVar aggregate classification (germline): Conflicting classifications of pathogenicity. Review status: criteria provided, conflicting classifications (1 of 4 stars). 3 submissions from 3 submitters: Likely pathogenic (1); Uncertain significance (2). Last evaluated 2025-08-01.

Conditions:
Progressive sclerosing poliodystrophy (MTDPS4A). Also called: Mitochondrial DNA depletion syndrome 4A (Alpers type); Mitochondrial DNA Depletion Syndrome 4A; Alpers Syndrome; ALPERS DIFFUSE DEGENERATION OF CEREBRAL GRAY MATTER WITH HEPATIC CIRRHOSIS; Alpers-Huttenlocher Syndrome; ALPERS PROGRESSIVE INFANTILE POLIODYSTROPHY. Identifiers: Orphanet 726, MedGen C0205710, MONDO:0008758, OMIM 203700.

Submissions (3):

Women's Health and Genetics/Laboratory Corporation of America, LabCorp
Classification: Uncertain significance. Last evaluated: 2025-08-01. Review status: criteria provided, single submitter. Criteria: LabCorp Variant Classification Summary - May 2015. Collection method: clinical testing. Allele origin: germline.
Comment: Variant summary: POLG c.2539G>A (p.Ala847Thr) results in a non-conservative amino acid change in the encoded protein sequence. Algorithms developed to predict the effect of missense changes on protein structure and function all suggest that this variant is likely to be disruptive. The variant was absent in 251416 control chromosomes (gnomAD). The available data on variant occurrences in the general population are insufficient to allow any conclusion about variant significance. c.2539G>A has been reported in the literature in at least one compound heterozygous individual affected with Mitochondrial DNA Depletion Syndrome - POLG Related (Da Pozzo_2017). These data do not allow any conclusion about variant significance. To our knowledge, no experimental evidence demonstrating an impact on protein function has been reported. The following publications have been ascertained in the context of this evaluation (PMID: 28130605, 27538665). ClinVar contains an entry for this variant (Variation ID: 586356). Based on the evidence outlined above, the variant was classified as uncertain significance.

Labcorp Genetics (formerly Invitae), Labcorp
Classification: Likely pathogenic for Progressive sclerosing poliodystrophy. Last evaluated: 2023-07-29. Review status: criteria provided, single submitter. Criteria: Invitae Variant Classification Sherloc (09022015). Collection method: clinical testing. Allele origin: germline.
Comment: In summary, the currently available evidence indicates that the variant is pathogenic, but additional data are needed to prove that conclusively. Therefore, this variant has been classified as Likely Pathogenic. Advanced modeling of protein sequence and biophysical properties (such as structural, functional, and spatial information, amino acid conservation, physicochemical variation, residue mobility, and thermodynamic stability) performed at Invitae indicates that this missense variant is expected to disrupt POLG protein function. ClinVar contains an entry for this variant (Variation ID: 586356). This missense change has been observed in individual(s) with autosomal recessive POLG-related disorders (PMID: 27538665, 28130605). In at least one individual the data is consistent with being in trans (on the opposite chromosome) from a pathogenic variant. This variant is not present in population databases (gnomAD no frequency). This sequence change replaces alanine, which is neutral and non-polar, with threonine, which is neutral and polar, at codon 847 of the POLG protein (p.Ala847Thr).

Athena Diagnostics
Classification: Uncertain significance. Last evaluated: 2018-01-18. Review status: criteria provided, single submitter. Criteria: Athena Diagnostics Criteria. Collection method: clinical testing. Allele origin: germline.

Literature cited by the submitters: PubMed 28130605 (cited by 3 submitters); PubMed 27538665 (cited by 3 submitters).

NM_002693.3(POLG):c.2539G>A (p.Ala847Thr)

Gene: POLG (DNA polymerase gamma, catalytic subunit; minus strand). Cytogenetic location: 15q26.1.
Variant type: single nucleotide variant.
Coding change: c.2539G>A on transcript NM_002693.3 (MANE Select); coding-DNA position 2539, G replaced by A.
Protein change: p.Ala847Thr; replaces alanine 847 with threonine.
Molecular consequence: missense variant.
Genome position (GRCh38, 1-based): chr15:89,321,795, C>T on the plus strand (G>A on the coding strand, the complement: POLG is on the minus strand). VCF-style: chr15-89321795-C-T. GRCh37 (hg19) VCF-style: chr15-89865026-C-T.
Other names: c.2539G>A, p.Ala847Thr (NM_001126131.2); short protein forms A847T.
Identifiers: ClinVar variation 586356 (VCV000586356.6), dbSNP rs750203541, ClinGen allele CA393754454.